The following is an entry in ClinVar:

NC_000003.11:g.(?_12626003)_(12660230_?)dup

Genes: RAF1 (Raf-1 proto-oncogene, serine/threonine kinase; minus strand), LOC129389024 (MPRA-validated peak4543 silencer; plus strand). Cytogenetic location: 3p25.2.
Variant type: Duplication.
Identifiers: ClinVar variation 642037 (VCV000642037.2).

ClinVar aggregate classification (germline): Uncertain significance (1 of 4 stars; one submission).

Conditions:
RASopathy. Also called: rasopathies; Noonan spectrum disorder. Identifiers: Orphanet 536391, MedGen C5555857, MONDO:0021060.

Submission:

Labcorp Genetics (formerly Invitae), Labcorp
Classification: Uncertain significance for Rasopathy. Last evaluated: 2019-11-15. Review status: criteria provided, single submitter. Criteria: Invitae Variant Classification Sherloc (09022015). Collection method: clinical testing. Allele origin: germline.
Comment: This variant results in a copy number gain of the genomic region encompassing the full coding sequence of the RAF1 gene. The boundaries of this event are unknown as they extend beyond the assayed region for this gene and therefore may encompass additional genes. As the precise location of this event is unknown, it may be in tandem or it may be located elsewhere in the genome. Isolated whole-gene copy number gains of RAF1 have not been reported in the literature. However, larger copy number events that include this gene have been reported (PMID: 22786616, 25974318). In summary, the available evidence is currently insufficient to determine the role of this variant in disease. Therefore, it has been classified as a Variant of Uncertain Significance.

Literature cited by the submitters: PubMed 25974318; PubMed 22786616.